The following is an entry in ClinVar:

ClinVar aggregate classification (germline): Conflicting classifications of pathogenicity. Review status: criteria provided, conflicting classifications (1 of 4 stars). 4 submissions from 4 submitters: Uncertain significance (2); Likely benign (1). 1 of the submissions does not count toward it. Last evaluated 2025-10-23.

Conditions:
Hereditary cancer-predisposing syndrome. Also called: Tumor predisposition; Hereditary neoplastic syndrome; Neoplastic Syndromes, Hereditary; Hereditary Cancer Syndrome. Identifiers: Orphanet 140162, MedGen C0027672, MeSH D009386, MONDO:0015356.
Hereditary breast ovarian cancer syndrome. Also called: Hereditary breast and ovarian cancer; Breast and ovarian cancer; Hereditary breast and ovarian cancer syndrome (HBOC); Hereditary breast and/or ovarian cancer syndrome; Hereditary breast and ovarian cancer syndrome; BRCA1- and BRCA2-Associated Hereditary Breast and Ovarian Cancer. Identifiers: Orphanet 145, MedGen C0677776, MeSH D061325, MONDO:0003582. Disease mechanism: loss of function.

gnomAD v4.1: 2 of 1,585,626 alleles (0.00013%); highest among the groups gnomAD compares: Non-Finnish European, 0.00017%; no homozygotes.

Submissions (4):

Ambry Genetics
Classification: Uncertain significance for Hereditary cancer-predisposing syndrome. Last evaluated: 2025-10-23. Review status: criteria provided, single submitter. Criteria: Ambry Variant Classification Scheme 2023. Collection method: clinical testing. Allele origin: germline.
Comment: The p.E866D variant (also known as c.2598A>T), located in coding exon 10 of the BRCA2 gene, results from an A to T substitution at nucleotide position 2598. The glutamic acid at codon 866 is replaced by aspartic acid, an amino acid with highly similar properties. This amino acid position is not well conserved in available vertebrate species. In addition, this alteration is predicted to be tolerated by in silico analysis. Since supporting evidence is limited at this time, the clinical significance of this alteration remains unclear.

University of Washington Department of Laboratory Medicine, University of Washington
Classification: Likely benign for Hereditary cancer-predisposing syndrome. Last evaluated: 2023-03-23. Review status: criteria provided, single submitter. Criteria: Dines et al. (Genet Med. 2020). Collection method: curation. Allele origin: germline.
Comment: Missense variant in a coldspot region where missense variants are very unlikely to be pathogenic (PMID:31911673).

BRCA2 exon 11 coldspot. Reclassification based on statistical prior probability.

Color Diagnostics, LLC DBA Color Health
Classification: Uncertain significance for Hereditary cancer-predisposing syndrome. Last evaluated: 2019-01-28. Review status: criteria provided, single submitter. Criteria: ACMG Guidelines, 2015. Collection method: clinical testing. Allele origin: germline.

Labcorp Genetics (formerly Invitae), Labcorp
Classification: Uncertain significance for BRCA1 and BRCA2 Hereditary Breast and Ovarian Cancer. Last evaluated: 2014-06-11. Review status: no assertion criteria provided. Collection method: clinical testing. Allele origin: germline. Affected: yes. Not counted in ClinVar's aggregate classification.
Comment: This sequence change has not been reported in affected patients and has not been reported as a common polymorphism in the population. Algorithms developed to predict the effect of missense changes on protein structure and function (SIFT, MutationTaster, AlignGVGD) suggest that this sequence change is likely to be tolerated, but these predictions have not been confirmed by functional studies. In addition, the p.Glu866Asp amino acid change is poorly conserved and has been observed in the rat, chicken, and zebrafish BRCA2 homologous proteins.

NM_000059.4(BRCA2):c.2598A>T (p.Glu866Asp)

Gene: BRCA2 (BRCA2 DNA repair associated; plus strand). Cytogenetic location: 13q13.1.
Variant type: single nucleotide variant.
Coding change: c.2598A>T on transcript NM_000059.4 (MANE Select); coding-DNA position 2598, A replaced by T.
Protein change: p.Glu866Asp; replaces glutamic acid 866 with aspartic acid.
Molecular consequence: missense variant.
Genome position (GRCh38, 1-based): chr13:32,336,953, A>T. VCF-style: chr13-32336953-A-T. GRCh37 (hg19) VCF-style: chr13-32911090-A-T.
Other names: short protein forms E866D.
Identifiers: ClinVar variation 132743 (VCV000132743.10), dbSNP rs587780549, ClinGen allele CA015772.